The following is an entry in ClinVar:

NM_012428.4(NPTN):c.902del (p.Asn301fs)

Gene: NPTN (neuroplastin; minus strand). Cytogenetic location: 15q24.1.
Variant type: Deletion.
Coding change: c.902del on transcript NM_012428.4 (MANE Select); coding-DNA position 902, one base deleted (A; older notation c.902delA).
Protein change: p.Asn301fs; shifts the reading frame from asparagine 301.
Molecular consequence: frameshift variant.
Genome position (GRCh38, 1-based): chr15:73,570,362, T deleted on the plus strand (A on the coding strand, the reverse complement: NPTN is on the minus strand); the first of 2 consecutive T bases (chr15:73,570,362-73,570,363); deleting either gives the same sequence. VCF-style (leftmost placement, unchanged base first): chr15-73570361-GT-G. GRCh37 (hg19) VCF-style: chr15-73862702-GT-G.
Other names: c.902del, p.Asn301fs (NM_001161363.2); c.554del, p.Asn185fs (NM_001161364.2, NM_017455.4); short protein forms N185fs, N301fs.
Identifiers: ClinVar variation 3778810 (VCV003778810.1).

ClinVar aggregate classification (germline): Pathogenic (1 of 4 stars; one submission).

Conditions:
NPTN-related neurodevelopmental disorder.

Submission:

Institute of Human Genetics, University of Leipzig Medical Center
Classification: Pathogenic for NPTN-related neurodevelopmental disorder. Last evaluated: 2025-04-09. Review status: criteria provided, single submitter. Criteria: ACMG Guidelines, 2015. Collection method: research. Allele origin: de novo. Inheritance: Autosomal dominant inheritance. Affected: yes.
Comment: Criteria applied: PVS1, PS2_MOD, PM2_SUP